The following is an entry in ClinVar:

NM_001918.5(DBT):c.837T>A (p.Cys279Ter)

Gene: DBT (dihydrolipoamide branched chain transacylase E2; minus strand). Cytogenetic location: 1p21.2.
Variant type: single nucleotide variant.
Coding change: c.837T>A on transcript NM_001918.5 (MANE Select); coding-DNA position 837, T replaced by A.
Protein change: p.Cys279Ter; replaces cysteine 279 with a stop codon.
Molecular consequence: nonsense. On other transcripts: non-coding transcript variant (4).
Genome position (GRCh38, 1-based): chr1:100,214,919, A>T on the plus strand (T>A on the coding strand, the complement: DBT is on the minus strand). VCF-style: chr1-100214919-A-T. GRCh37 (hg19) VCF-style: chr1-100680475-A-T.
Other names: c.294T>A, p.Cys98Ter (NM_001399969.1, NM_001399972.1); short protein forms C279*, C98*.
Identifiers: ClinVar variation 5015167 (VCV005015167.1).

ClinVar aggregate classification (germline): Pathogenic (1 of 4 stars; one submission).

Conditions:
Maple syrup urine disease type 2 (MSUD2). Also called: Maple syrup urine disease, type II. Identifiers: MedGen C1855371, MONDO:0023693, OMIM 620699.

Submission:

Myriad Genetics, Inc.
Classification: Pathogenic for Maple syrup urine disease type 2. Last evaluated: 2025-11-04. Review status: criteria provided, single submitter. Criteria: Myriad Autosomal Dominant, Autosomal Recessive and X-Linked Classification Criteria (2023). Collection method: clinical testing. Allele origin: unknown.
Comment: NM_001918.3(DBT):c.837T>A(C279*) is expected to be pathogenic in the context of maple syrup urine disease type II. This variant is predicted to lead to an abnormal or absent protein product due to the creation of a premature termination codon in DBT, a gene where loss-of-function variants are known to be pathogenic. Please note: this variant was assessed in the context of healthy population screening.